The following is an entry in ClinVar:

NM_001048174.2(MUTYH):c.1434G>A (p.Met478Ile)

Gene: MUTYH (mutY DNA glycosylase; minus strand). Cytogenetic location: 1p34.1.
Variant type: single nucleotide variant.
Coding change: c.1434G>A on transcript NM_001048174.2 (MANE Select); coding-DNA position 1434, G replaced by A.
Protein change: p.Met478Ile; replaces methionine 478 with isoleucine.
Molecular consequence: missense variant. On other transcripts: non-coding transcript variant (2).
Genome position (GRCh38, 1-based): chr1:45,330,516, C>T on the plus strand (G>A on the coding strand, the complement: MUTYH is on the minus strand). VCF-style: chr1-45330516-C-T. GRCh37 (hg19) VCF-style: chr1-45796188-C-T.
Other names: c.1434G>A, p.Met478Ile (NM_001407073.1, NM_001407081.1, NM_001048171.2 and 6 more transcripts); c.1350G>A, p.Met450Ile (NM_001407075.1); c.1467G>A, p.Met489Ile (NM_001407077.1, NM_001293191.2, NM_001407069.1); c.1437G>A, p.Met479Ile (NM_001407078.1, NM_001048172.2, NM_001407071.1 and 1 more transcripts); c.1395G>A, p.Met465Ile (NM_001407079.1); c.1392G>A, p.Met464Ile (NM_001407080.1); c.1089G>A, p.Met363Ile (NM_001407082.1, NM_001350650.2, NM_001350651.2); c.1476G>A, p.Met492Ile (NM_001407083.1, NM_001407085.1); and 5 more; short protein forms M386I, M465I, M503I, M478I, M479I, M506I, M363I, M489I.
Identifiers: ClinVar variation 1983746 (VCV001983746.5), dbSNP rs1426807005, ClinGen allele CA340132293.

ClinVar aggregate classification (germline): Uncertain significance. Review status: criteria provided, multiple submitters, no conflicts (2 of 4 stars). 2 submissions from 2 submitters: Uncertain significance (2). Last evaluated 2025-10-15.

Conditions:
Hereditary cancer-predisposing syndrome. Also called: Hereditary neoplastic syndrome; Neoplastic Syndromes, Hereditary; Tumor predisposition; Hereditary Cancer Syndrome. Identifiers: Orphanet 140162, MedGen C0027672, MeSH D009386, MONDO:0015356.
Familial adenomatous polyposis 2. Also called: FAP type 2; MUTYH-related attenuated familial adenomatous polyposis; COLORECTAL ADENOMATOUS POLYPOSIS, AUTOSOMAL RECESSIVE; ADENOMAS, MULTIPLE COLORECTAL, AUTOSOMAL RECESSIVE; MUTYH Polyposis; Adenomas, multiple colorectal. Identifiers: Orphanet 220460, Orphanet 247798, MedGen C3272841, MONDO:0012041, OMIM 608456.

Allele frequency attached by ClinVar (database versions not stated): TOPMed below 0.00001; gnomAD 0.00001.

Submissions (2):

Labcorp Genetics (formerly Invitae), Labcorp
Classification: Uncertain significance for Familial adenomatous polyposis 2. Last evaluated: 2025-10-15. Review status: criteria provided, single submitter. Criteria: Invitae Variant Classification Sherloc (09022015). Collection method: clinical testing. Allele origin: germline.
Comment: This sequence change replaces methionine, which is neutral and non-polar, with isoleucine, which is neutral and non-polar, at codon 506 of the MUTYH protein (p.Met506Ile). This variant also falls at the last nucleotide of exon 15, which is part of the consensus splice site for this exon. This variant is not present in population databases (gnomAD no frequency). This variant has not been reported in the literature in individuals affected with MUTYH-related conditions. ClinVar contains an entry for this variant (Variation ID: 1983746). An algorithm developed to predict the effect of missense changes on protein structure and function (PolyPhen-2) suggests that this variant is likely to be tolerated. Variants that disrupt the consensus splice site are a relatively common cause of aberrant splicing (PMID: 17576681, 9536098). Algorithms developed to predict the effect of sequence changes on RNA splicing suggest that this variant may disrupt the consensus splice site. In summary, the available evidence is currently insufficient to determine the role of this variant in disease. Therefore, it has been classified as a Variant of Uncertain Significance.

Ambry Genetics
Classification: Uncertain significance for Hereditary cancer-predisposing syndrome. Last evaluated: 2024-01-31. Review status: criteria provided, single submitter. Criteria: Ambry Variant Classification Scheme 2023. Collection method: clinical testing. Allele origin: germline.
Comment: The c.1518G>A variant (also known as p.M506I), located in coding exon 15 of the MUTYH gene, results from a G to A substitution at nucleotide position 1518. The amino acid change results in methionine to isoleucine at codon 506, an amino acid with highly similar properties. However, this change occurs in the last base pair of coding exon 15, which makes it likely to have some effect on normal mRNA splicing. This nucleotide position is highly conserved in available vertebrate species. In silico splice site analysis predicts that this alteration may weaken the native splice donor site; however, direct evidence is insufficient at this time (Ambry internal data). Based on the available evidence, the clinical significance of this alteration remains unclear.

Literature cited by the submitters: PubMed 17576681 (cited by Labcorp Genetics (formerly Invitae), Labcorp); PubMed 9536098 (cited by Labcorp Genetics (formerly Invitae), Labcorp).